The following is an entry in ClinVar:

ClinVar aggregate classification (germline): Likely benign (1 of 4 stars; one submission).

Conditions:
Joubert syndrome 14 (JBTS14). Identifiers: MedGen C3280766, MONDO:0013745, OMIM 614424.

Allele frequency attached by ClinVar (database versions not stated): gnomAD 0.00397 and 0.00416; TOPMed 0.00445; 1000 Genomes Project 0.00499; 1000 Genomes Project 30x 0.00562.

Submission:

Illumina Laboratory Services, Illumina
Classification: Likely benign for Joubert syndrome 14. Last evaluated: 2018-01-12. Review status: criteria provided, single submitter. Criteria: ICSL Variant Classification Criteria 13 December 2019. Collection method: clinical testing. Allele origin: germline.
Comment: This variant was observed in the ICSL laboratory as part of a predisposition screen in an ostensibly healthy population. It had not been previously curated by ICSL or reported in the Human Gene Mutation Database (HGMD: prior to June 1st, 2018), and was therefore a candidate for classification through an automated scoring system. Utilizing variant allele frequency, disease prevalence and penetrance estimates, and inheritance mode, an automated score was calculated to assess if this variant is too frequent to cause the disease. Based on the score and internal cut-off values, a variant classified as likely benign is not then subjected to further curation. The score for this variant resulted in a classification of likely benign for this disease.

NM_001044385.3(TMEM237):c.*2180G>A

Gene: TMEM237 (transmembrane protein 237; minus strand). Cytogenetic location: 2q33.1.
Variant type: single nucleotide variant.
Coding change: c.*2180G>A on transcript NM_001044385.3 (MANE Select); 2180 bases downstream of the stop codon, G replaced by A.
Molecular consequence: 3 prime UTR variant.
Genome position (GRCh38, 1-based): chr2:201,622,075, C>T on the plus strand (G>A on the coding strand, the complement: TMEM237 is on the minus strand). VCF-style: chr2-201622075-C-T. GRCh37 (hg19) VCF-style: chr2-202486798-C-T.
Other names: c.*2180G>A (NM_152388.4).
Identifiers: ClinVar variation 897710 (VCV000897710.4), dbSNP rs77649251, ClinGen allele CA63948684.
Genomic context (GRCh38, chr2:201,622,075, plus strand): 5'-TACAAGTCCTTAATCAGGGAATACTCAATGTTTTTCCCTGATGAAGGACTTGTACAGGGC[C>T]ACTAGCTGCTCAGGTTTATATGCCTCCTGGGTCATTACGAGATCTGAAGTCTAAGTTGTA-3'